The following is an entry in ClinVar:

NM_030973.4(MED25):c.61G>A (p.Val21Met)

Gene: MED25 (mediator complex subunit 25; plus strand). Cytogenetic location: 19q13.33.
Variant type: single nucleotide variant.
Coding change: c.61G>A on transcript NM_030973.4 (MANE Select); coding-DNA position 61, G replaced by A.
Protein change: p.Val21Met; replaces valine 21 with methionine.
Molecular consequence: missense variant.
Genome position (GRCh38, 1-based): chr19:49,818,402, G>A. VCF-style: chr19-49818402-G-A. GRCh37 (hg19) VCF-style: chr19-50321659-G-A.
Other names: c.61G>A, p.Val21Met (NM_001378355.1); short protein forms V21M.
Identifiers: ClinVar variation 962985 (VCV000962985.8), dbSNP rs2073953656, ClinGen allele CA406908484.

ClinVar aggregate classification (germline): Uncertain significance. Review status: criteria provided, single submitter (1 of 4 stars). 2 submissions from 2 submitters: Uncertain significance (1). 1 of the submissions does not count toward it. Last evaluated 2021-08-30.

Conditions:
Autism (AUTS). Also called: Autistic disorder; Autistic disorder of childhood onset. Identifiers: MedGen C0004352, MeSH D001321, MONDO:0005260, OMIM 209850, HP:0000717.
Charcot-Marie-Tooth disease type 2. Also called: Charcot-Marie-Tooth type 2. Identifiers: Orphanet 64746, MedGen C0270914, MONDO:0018993.

Allele frequency attached by ClinVar (database versions not stated): gnomAD exomes below 0.00001.
gnomAD v4.1: 2 of 1,613,898 alleles (0.00012%); highest among the groups gnomAD compares: Non-Finnish European, 0.00017%; no homozygotes.

Submissions (2):

Labcorp Genetics (formerly Invitae), Labcorp
Classification: Uncertain significance for Charcot-Marie-Tooth disease type 2. Last evaluated: 2021-08-30. Review status: criteria provided, single submitter. Criteria: Invitae Variant Classification Sherloc (09022015). Collection method: clinical testing. Allele origin: germline.
Comment: This sequence change replaces valine with methionine at codon 21 of the MED25 protein (p.Val21Met). The valine residue is moderately conserved and there is a small physicochemical difference between valine and methionine. This variant is not present in population databases (ExAC no frequency). This variant has not been reported in the literature in individuals affected with MED25-related conditions. Algorithms developed to predict the effect of missense changes on protein structure and function are either unavailable or do not agree on the potential impact of this missense change (SIFT: "Deleterious"; PolyPhen-2: "Probably Damaging"; Align-GVGD: "Class C0"). In summary, the available evidence is currently insufficient to determine the role of this variant in disease. Therefore, it has been classified as a Variant of Uncertain Significance.

Centre for Addiction & Mental Health
Classification: Uncertain significance for Autism. Review status: no assertion criteria provided. Collection method: research. Allele origin: biparental. Affected: yes. Observed: 1 homozygote. Segregation with disease observed. Not counted in ClinVar's aggregate classification.
Comment: Nonsynonymous variant in known disease gene; no homozygotes in gnomAD control data, but no functional assay data available